The following is an entry in ClinVar:

ClinVar aggregate classification (germline): Likely benign (1 of 4 stars; one submission).

Allele frequency attached by ClinVar (database versions not stated): ExAC 0.00006; gnomAD 0.00011; 1000 Genomes Project 30x 0.00016; 1000 Genomes Project 0.00020.
gnomAD v4.1: 72 of 1,613,922 alleles (0.0045%); highest among the groups gnomAD compares: Middle Eastern, 0.017%; no homozygotes.

Submission:

CeGaT Center for Human Genetics Tuebingen
Classification: Likely benign. Last evaluated: 2023-07-01. Review status: criteria provided, single submitter. Criteria: CeGaT Center For Human Genetics Tuebingen Variant Classification Criteria Version 2. Collection method: clinical testing. Allele origin: germline. Affected: yes. Observed: 2 variant alleles.
Comment: DNAH17: BP4, BP7

NM_173628.4(DNAH17):c.3417C>T (p.Thr1139=)

Gene: DNAH17 (dynein axonemal heavy chain 17; minus strand). Cytogenetic location: 17q25.3.
Variant type: single nucleotide variant.
Coding change: c.3417C>T on transcript NM_173628.4 (MANE Select); coding-DNA position 3417, C replaced by T.
Protein change: p.Thr1139=; no amino-acid change (threonine 1139 retained).
Molecular consequence: synonymous variant.
Genome position (GRCh38, 1-based): chr17:78,529,562, G>A on the plus strand (C>T on the coding strand, the complement: DNAH17 is on the minus strand). VCF-style: chr17-78529562-G-A. GRCh37 (hg19) VCF-style: chr17-76525644-G-A.
Identifiers: ClinVar variation 2648373 (VCV002648373.24), dbSNP rs148671638, ClinGen allele CA8804217.